The following is an entry in ClinVar:

NM_000492.4(CFTR):c.3528del (p.Lys1177fs)

Genes: CFTR (CF transmembrane conductance regulator; plus strand), CFTR-AS2 (CFTR antisense RNA 2; minus strand). Cytogenetic location: 7q31.2.
Variant type: Deletion.
Coding change: c.3528del on transcript NM_000492.4 (MANE Select); coding-DNA position 3528, one base deleted (C; older notation c.3528delC).
Protein change: p.Lys1177fs; shifts the reading frame from lysine 1177.
Molecular consequence: frameshift variant.
Genome position (GRCh38, 1-based): chr7:117,627,581, C deleted; the last of 2 consecutive C bases (chr7:117,627,580-117,627,581); deleting either gives the same sequence. VCF-style (leftmost placement, unchanged base first): chr7-117627579-AC-A. GRCh37 (hg19) VCF-style: chr7-117267633-AC-A.
Other names: 3659delC; p.Lys1177Serfs*15; c.3528delC (NM_000492.3, NM_000492.4); c.3527delC (NM_000492.3); short protein forms K1177fs.
Identifiers: ClinVar variation 35868 (VCV000035868.143), dbSNP rs78984783, ClinGen allele CA342839.
Genomic context (GRCh38, chr7:117,627,579, plus strand): 5'-CAGATGCGATCTGTGAGCCGAGTCTTTAAGTTCATTGACATGCCAACAGAAGGTAAACCT[AC>A]CAAGTCAACCAAACCATACAAGAATGGCCAACTCTCGAAAGTTATGATTATTGAGAATTC-3'

ClinVar aggregate classification (germline): Pathogenic. Review status: practice guideline (4 of 4 stars). 29 submissions from 27 submitters: Pathogenic (1). 28 of the submissions do not count toward it. Last evaluated 2004-03-03.

Conditions:
CFTR-related disorder (CFTR-RD). Also called: CFTR-related disorders; CFTR-related condition. Identifiers: MedGen C5924204, MONDO:7770004.
Congenital bilateral aplasia of vas deferens from CFTR mutation (CBAVD). Identifiers: Orphanet 48, MedGen C0403814, MONDO:0010178, OMIM 277180. Disease mechanism: loss of function.
Cystic fibrosis (CF). Also called: MUCOVISCIDOSIS. Identifiers: Orphanet 586, MedGen C0010674, MONDO:0009061, OMIM 219700. Disease mechanism: loss of function.
Bronchiectasis with or without elevated sweat chloride 1 (BESC1). Also called: Cystic Fibrosis-Like Syndrome. Identifiers: Orphanet 60033, MedGen C2749757, MONDO:0008887, OMIM 211400.

Submissions 1 to 12 of 29:

American College of Medical Genetics and Genomics  (ACMG)
Classification: Pathogenic for Cystic fibrosis. Last evaluated: 2004-03-03. Review status: practice guideline. Criteria: Guideline for cystic fibrosis carrier screening. Collection method: curation. Allele origin: germline. Inheritance: Autosomal recessive inheritance. Study: The ACMG recommended carrier screening panel.
ClinVar note: Converted during submission from pathogenic to Pathogenic.

CFTR2
Classification: Pathogenic for Cystic fibrosis. Last evaluated: 2017-03-17. Review status: reviewed by expert panel. Criteria: Sosnay PR et al. (Nat Genet 2013). Collection method: research. Allele origin: germline. Affected: yes. Study: CFTR2. Not counted in ClinVar's aggregate classification.

CeGaT Center for Human Genetics Tuebingen
Classification: Pathogenic. Last evaluated: 2026-06-01. Review status: criteria provided, single submitter. Criteria: CeGaT Center For Human Genetics Tuebingen Variant Classification Criteria Version 2. Collection method: clinical testing. Allele origin: germline. Affected: yes. Observed: 1 variant allele. Not counted in ClinVar's aggregate classification.
Comment: CFTR: PVS1, PM3:Strong, PM2

PreventionGenetics, part of Exact Sciences
Classification: Pathogenic for CFTR-related condition. Last evaluated: 2026-05-29. Review status: criteria provided, single submitter. Criteria: ACMG Guidelines, 2015. Collection method: clinical testing. Allele origin: germline. Not counted in ClinVar's aggregate classification.
Comment: The CFTR c.3528delC variant is predicted to result in a frameshift and premature protein termination (p.Lys1177Serfs*15). This variant, also described as 3659delC in legacy nomenclature, has been reported in the homozygous, compound heterozygous, and presumed compound heterozygous state in multiple unrelated individuals with cystic fibrosis (CF) (Kerem et al. 1990. PubMed ID: 2236053; Geborek et al. 2011. PubMed ID: 21354377; Sosnay et al. 2013. PubMed ID: 23974870; Petrova et al. 2020. PubMed ID: 32429104; Hanger et al. 2024. PubMed ID: 37817743). This variant has also been reported in the heterozygous state in an individual with chronic pancreatitis (Hamoir et al. 2013. PubMed ID: 23751316). This variant is reported in 0.028% of alleles in individuals of European (non-Finnish) descent in gnomAD. Frameshift variants in CFTR are expected to be pathogenic. This variant is interpreted as pathogenic.

Dasa
Classification: Pathogenic. Last evaluated: 2026-02-27. Review status: criteria provided, single submitter. Criteria: DASA Assertion Criteria. Collection method: clinical testing. Allele origin: germline. Not counted in ClinVar's aggregate classification.
Comment: NM_000492.4(CFTR):c.3528del (p.Lys1177SerfsTer15) introduces a premature termination codon predicted to result in loss of normal protein function. Loss-of-function is an established mechanism of disease for this gene. This variant has been recurrently observed in affected individuals with related phenotype in a genotype context consistent with recessive disease (PMID: 27158673; PMID: 2236053; PMID: 15371902). The variant is present at low frequency in population datasets. Based on the available data, this variant is classified as pathogenic.

Labcorp Genetics (formerly Invitae), Labcorp
Classification: Pathogenic for Cystic fibrosis. Last evaluated: 2026-02-02. Review status: criteria provided, single submitter. Criteria: Invitae Variant Classification Sherloc (09022015). Collection method: clinical testing. Allele origin: germline. Not counted in ClinVar's aggregate classification.
Comment: This sequence change creates a premature translational stop signal (p.Lys1177Serfs*15) in the CFTR gene. It is expected to result in an absent or disrupted protein product. Loss-of-function variants in CFTR are known to be pathogenic (PMID: 1695717, 7691345, 9725922). This variant is present in population databases (rs762828343, gnomAD 0.03%). This premature translational stop signal has been observed in individual(s) with cystic fibrosis (PMID: 15371902, 23974870). This variant is also known as c.3659delC . ClinVar contains an entry for this variant (Variation ID: 35868). For these reasons, this variant has been classified as Pathogenic.

Natera, Inc.
Classification: Pathogenic for CFTR-related disorders. Last evaluated: 2025-11-03. Review status: criteria provided, single submitter. Criteria: Natera Variant Classification Schema (03/2026). Collection method: clinical testing. Allele origin: germline. Not counted in ClinVar's aggregate classification.
Comment: The c.3528delC variant in CFTR is a frameshift variant predicted to shift the reading frame beginning at codon 1177 and leads to a stop codon 15 codons downstream. This variant is expected to result in nonsense mediated decay, truncation, or a dysfunctional protein product. This variant is rare in the general population with a frequency below the threshold expected for the associated phenotype(s). This variant has been observed in one or more individuals affected with the associated recessive disease, as either homozygous or compound heterozygous with a second variant (PMID: 36437230, 21354377). Given the available evidence, this variant is classified as Pathogenic.

Institute of Human Genetics, University of Leipzig Medical Center
Classification: Pathogenic for Cystic fibrosis. Last evaluated: 2025-09-30. Review status: criteria provided, single submitter. Criteria: ACMG Guidelines, 2015. Collection method: clinical testing. Allele origin: unknown. Inheritance: Autosomal recessive inheritance. Affected: yes. Not counted in ClinVar's aggregate classification.
Comment: Criteria applied: PVS1,PM3

Ambry Genetics
Classification: Pathogenic for Cystic fibrosis. Last evaluated: 2025-06-16. Review status: criteria provided, single submitter. Criteria: Ambry Variant Classification Scheme 2023. Collection method: clinical testing. Allele origin: germline. Not counted in ClinVar's aggregate classification.
Comment: The c.3528delC pathogenic mutation, located in coding exon 22 of the CFTR gene, results from a deletion of one nucleotide at nucleotide position 3528, causing a translational frameshift with a predicted alternate stop codon (p.K1177Sfs*15). This alteration was identified in an individual diagnosed with cystic fibrosis in conjunction with p.G551D (Adam RJ et al. JCI Insight, 2016 Apr;1:e86183). This alteration is also associated with elevated sweat chloride levels, decreased lung function, and pancreatic insufficiency (Sosnay PR et al. Nat. Genet., 2013 Oct;45:1160-7). Of note, this alteration is also known as 3659delC in published literature. In addition to the clinical data presented in the literature, this alteration is expected to result in loss of function by premature protein truncation or nonsense-mediated mRNA decay. As such, this alteration is interpreted as a disease-causing mutation.

First Genomix Gene Laboratory, Genetic Diagnostics Department
Classification: Pathogenic for Congenital bilateral aplasia of vas deferens from CFTR mutation; Cystic fibrosis. Last evaluated: 2025-03-19. Review status: criteria provided, single submitter. Criteria: ACMG Guidelines, 2015. Collection method: clinical testing. Allele origin: germline. Inheritance: Autosomal recessive inheritance. Affected: no. Observed: 1 variant allele. Not counted in ClinVar's aggregate classification.

Victorian Clinical Genetics Services, Murdoch Childrens Research Institute
Classification: Pathogenic for Cystic fibrosis. Last evaluated: 2025-02-06. Review status: criteria provided, single submitter. Criteria: ACMG Guidelines, 2015. Collection method: clinical testing. Allele origin: germline. Affected: yes. Not counted in ClinVar's aggregate classification.
Comment: This variant is classified as Pathogenic. Evidence in support of pathogenic classification: Variant is predicted to cause nonsense-mediated decay (NMD) and loss of protein (premature termination codon is located at least 54 nucleotides upstream of the final exon-exon junction); Variant is present in gnomAD <0.01 for a recessive condition (v4: 276 heterozygote(s), 0 homozygote(s)); This variant has strong previous evidence of pathogenicity in unrelated individuals. This variant has been classified as pathogenic by the CFTR2 expert panel and the American College of Medical Genetics and Genomics (ACMG) carrier screening panel (ClinVar); Other premature termination variants comparable to the one identified in this case have very strong previous evidence for pathogenicity. Many NMD-predicted variants have been classified as pathogenic or likely pathogenic by clinical laboratories (ClinVar). Additional information: This variant is heterozygous; This gene is associated with autosomal recessive disease; Loss of function is a known mechanism of disease in this gene and is associated with cystic fibrosis (CF; MIM#219700); Heterozygous variant detected in trans with a second PATHOGENIC heterozygous variant (NM_000492.4(CFTR):c.617T>G; p.(Leu206Trp)) in a recessive disease.

Mayo Clinic Laboratories, Mayo Clinic
Classification: Pathogenic. Last evaluated: 2025-01-02. Review status: criteria provided, single submitter. Criteria: ACMG Guidelines, 2015. Collection method: clinical testing. Allele origin: germline. Observed: 3 variant alleles. Not counted in ClinVar's aggregate classification.